The following is an entry in ClinVar:

ClinVar aggregate classification (germline): Uncertain significance (1 of 4 stars; one submission).

Submission:

GeneDx
Classification: Uncertain significance. Last evaluated: 2024-04-15. Review status: criteria provided, single submitter. Criteria: GeneDx Variant Classification Process June 2021. Collection method: clinical testing. Allele origin: germline. Affected: yes.
Comment: Not observed at significant frequency in large population cohorts (gnomAD); In silico analysis supports that this missense variant has a deleterious effect on protein structure/function; Has not been previously published as pathogenic or benign to our knowledge; Variants in candidate genes are classified as variants of uncertain significance in accordance with ACMG guidelines (PMID: 25741868)

NM_012433.4(SF3B1):c.3284C>T (p.Ala1095Val)

Gene: SF3B1 (splicing factor 3b subunit 1; minus strand). Cytogenetic location: 2q33.1.
Variant type: single nucleotide variant.
Coding change: c.3284C>T on transcript NM_012433.4 (MANE Select); coding-DNA position 3284, C replaced by T.
Protein change: p.Ala1095Val; replaces alanine 1095 with valine.
Molecular consequence: missense variant.
Genome position (GRCh38, 1-based): chr2:197,396,311, G>A on the plus strand (C>T on the coding strand, the complement: SF3B1 is on the minus strand). VCF-style: chr2-197396311-G-A. GRCh37 (hg19) VCF-style: chr2-198261035-G-A.
Other names: short protein forms A1095V.
Identifiers: ClinVar variation 4755760 (VCV004755760.1).